The following is an entry in ClinVar:

ClinVar aggregate classification (germline): Uncertain significance (1 of 4 stars; one submission).

Conditions:
Familial adenomatous polyposis 1 (FAP1). Also called: FAMILIAL ADENOMATOUS POLYPOSIS 1, ATTENUATED; POLYPOSIS, ADENOMATOUS INTESTINAL. Identifiers: MedGen C2713442, MONDO:0021056, OMIM 175100. Disease mechanism: loss of function.

Submission:

Labcorp Genetics (formerly Invitae), Labcorp
Classification: Uncertain significance for Familial adenomatous polyposis 1. Last evaluated: 2024-07-16. Review status: criteria provided, single submitter. Criteria: Invitae Variant Classification Sherloc (09022015). Collection method: clinical testing. Allele origin: germline.
Comment: This sequence change replaces glutamine, which is neutral and polar, with glutamic acid, which is acidic and polar, at codon 222 of the APC protein (p.Gln222Glu). This variant is not present in population databases (gnomAD no frequency). This variant has not been reported in the literature in individuals affected with APC-related conditions. Advanced modeling of protein sequence and biophysical properties (such as structural, functional, and spatial information, amino acid conservation, physicochemical variation, residue mobility, and thermodynamic stability) performed at Invitae indicates that this missense variant is not expected to disrupt APC protein function with a negative predictive value of 95%. In summary, the available evidence is currently insufficient to determine the role of this variant in disease. Therefore, it has been classified as a Variant of Uncertain Significance.

NM_000038.6(APC):c.664C>G (p.Gln222Glu)

Gene: APC (APC regulator of Wnt signaling pathway; plus strand). Cytogenetic location: 5q22.2.
Variant type: single nucleotide variant.
Coding change: c.664C>G on transcript NM_000038.6 (MANE Select); coding-DNA position 664, C replaced by G.
Protein change: p.Gln222Glu; replaces glutamine 222 with glutamic acid.
Molecular consequence: missense variant. On other transcripts: 5 prime UTR variant (4), non-coding transcript variant (2), intron variant (5).
Genome position (GRCh38, 1-based): chr5:112,792,464, C>G. VCF-style: chr5-112792464-C-G. GRCh37 (hg19) VCF-style: chr5-112128161-C-G.
Other names: c.664C>G, p.Gln222Glu (NM_001127510.3, NM_001354895.2, NM_001354896.2 and 12 more transcripts); c.694C>G, p.Gln232Glu (NM_001354897.2, NM_001354902.2, NM_001407446.1); c.589C>G, p.Gln197Glu (NM_001354898.2, NM_001354904.2, NM_001407451.1); c.487C>G, p.Gln163Glu (NM_001354900.2, NM_001354901.2, NM_001354905.2 and 1 more transcripts); c.-372C>G (NM_001354906.2, NM_001407470.1, NM_001407471.1 and 1 more transcripts); c.646-8815C>G (NM_001407452.1, NM_001407469.1, NM_001354899.2 and 1 more transcripts); c.676-8815C>G (NM_001127511.3); short protein forms Q232E, Q163E, Q197E, Q222E.
Identifiers: ClinVar variation 3635401 (VCV003635401.2).
Genomic context (GRCh38, chr5:112,792,464, plus strand): 5'-TTAATAAAAACATAACTAATTAGGTTTCTTGTTTTATTTTAGCGAAGAATAGCCAGAATT[C>G]AGCAAATCGAAAAGGACATACTTCGTATACGACAGCTTTTACAGTCCCAAGCAACAGAAG-3'
Protein context (NP_000029.2, residues 212-232): KRAQRRIARI[Gln222Glu]QIEKDILRIR